The following is an entry in ClinVar:

NM_000179.3(MSH6):c.3881del (p.Cys1294fs)

Gene: MSH6 (mutS homolog 6; plus strand). Cytogenetic location: 2p16.3.
Variant type: Deletion.
Coding change: c.3881del on transcript NM_000179.3 (MANE Select); coding-DNA position 3881, one base deleted (G; older notation c.3881delG).
Protein change: p.Cys1294fs; shifts the reading frame from cysteine 1294.
Molecular consequence: frameshift variant.
Genome position (GRCh38, 1-based): chr2:47,806,531, G deleted. VCF-style (leftmost placement, unchanged base first): chr2-47806530-TG-T. GRCh37 (hg19) VCF-style: chr2-48033669-TG-T.
Other names: c.3491del, p.Cys1164fs (NM_001281492.2); c.2975del, p.Cys992fs (NM_001281493.2, NM_001281494.2); c.3977delG, p.Cys1326Phefs (NM_001406795.1); c.3881delG, p.Cys1294Phefs (NM_001406796.1, NM_001406808.1, NM_001406809.1); c.3584delG, p.Cys1195Phefs (NM_001406797.1, NM_001406801.1, NM_001406805.1 and 10 more transcripts); c.3707delG, p.Cys1236Phefs (NM_001406798.1); c.3356delG, p.Cys1119Phefs (NM_001406799.1, NM_001406806.1, NM_001406807.1); c.3868delG, p.Val1290Serfs (NM_001406800.1); and 9 more; short protein forms C1294fs, C992fs, C1164fs.
Identifiers: ClinVar variation 1735817 (VCV001735817.2), dbSNP rs2530864819, ClinGen allele CA2580067426.

ClinVar aggregate classification (germline): Pathogenic (1 of 4 stars; one submission).

Conditions:
Hereditary cancer-predisposing syndrome. Also called: Neoplastic Syndromes, Hereditary; Tumor predisposition; Hereditary Cancer Syndrome; Hereditary neoplastic syndrome. Identifiers: Orphanet 140162, MedGen C0027672, MeSH D009386, MONDO:0015356.

Submission:

Ambry Genetics
Classification: Pathogenic for Hereditary cancer-predisposing syndrome. Last evaluated: 2021-11-12. Review status: criteria provided, single submitter. Criteria: Ambry Variant Classification Scheme 2023. Collection method: clinical testing. Allele origin: germline.
Comment: The c.3881delG pathogenic mutation, located in coding exon 9 of the MSH6 gene, results from a deletion of one nucleotide at nucleotide position 3881, causing a translational frameshift with a predicted alternate stop codon (p.C1294Ffs*33). This alteration occurs at the 3' terminus of the MSH6 gene, is not expected to trigger nonsense-mediated mRNA decay, and only impacts the last 67 amino acids of the protein. However, premature stop codons are typically deleterious in nature and the impacted region is critical for protein function (Ambry internal data). As such, this alteration is interpreted as a disease-causing mutation.